The following is an entry in ClinVar:

NM_002485.5(NBN):c.1419_1431dup (p.Cys478fs)

Gene: NBN (nibrin; minus strand). Cytogenetic location: 8q21.3.
Variant type: Duplication.
Coding change: c.1419_1431dup on transcript NM_002485.5 (MANE Select); coding-DNA positions 1419 to 1431, 13 bases duplicated (AGAAATGTCTTCA).
Protein change: p.Cys478fs; shifts the reading frame from cysteine 478.
Molecular consequence: frameshift variant.
Genome position (GRCh38, 1-based): chr8:89,953,658-89,953,670, TGAAGACATTTCT duplicated on the plus strand (AGAAATGTCTTCA on the coding strand, the reverse complement: NBN is on the minus strand); duplicating any 13 consecutive bases within chr8:89,953,658-89,953,673 gives the same sequence; the c. name uses the placement nearest the transcript's 3' end. VCF-style (leftmost placement, unchanged base first): chr8-89953657-A-ATGAAGACATTTCT. GRCh37 (hg19) VCF-style: chr8-90965885-A-ATGAAGACATTTCT.
Other names: c.1419_1431dupAGAAATGTCTTCA (NM_002485.4); c.1173_1185dup, p.Cys396fs (NM_001024688.3); short protein forms C396fs, C478fs.
Identifiers: ClinVar variation 219993 (VCV000219993.12), dbSNP rs864622333, ClinGen allele CA349818.
Genomic context (GRCh38, chr8:89,953,657, plus strand): 5'-GTGTAGCAGGTTGTGTTTGTTCTAAAAGAGAACAAGACGTTTCTATTCTTGCTGATTTGC[A>ATGAAGACATTTCT]TGAAGACATTTCTTGATTTTCTTCATCCCTTTCCCTTAGATTTAAAAAAAAAGAAGAAAA-3'

ClinVar aggregate classification (germline): Pathogenic. Review status: criteria provided, multiple submitters, no conflicts (2 of 4 stars). 2 submissions from 2 submitters: Pathogenic (2). Last evaluated 2022-09-20.

Conditions:
Microcephaly, normal intelligence and immunodeficiency (NBS). Also called: Immunodeficiency, microcephaly with normal intelligence; BERLIN BREAKAGE SYNDROME; IMMUNODEFICIENCY, MICROCEPHALY, AND CHROMOSOMAL INSTABILITY; SEEMANOVA SYNDROME II; Ataxia telangiectasia variant V1; Nijmegen breakage syndrome. Identifiers: Orphanet 647, MedGen C0398791, MONDO:0009623, OMIM 251260.

Submissions (2):

Labcorp Genetics (formerly Invitae), Labcorp
Classification: Pathogenic for Microcephaly, normal intelligence and immunodeficiency. Last evaluated: 2022-09-20. Review status: criteria provided, single submitter. Criteria: Invitae Variant Classification Sherloc (09022015). Collection method: clinical testing. Allele origin: germline.
Comment: For these reasons, this variant has been classified as Pathogenic. Algorithms developed to predict the effect of sequence changes on RNA splicing suggest that this variant may disrupt the consensus splice site. ClinVar contains an entry for this variant (Variation ID: 219993). This variant has not been reported in the literature in individuals affected with NBN-related conditions. This variant is not present in population databases (gnomAD no frequency). This sequence change creates a premature translational stop signal (p.Cys478Argfs*31) in the NBN gene. It is expected to result in an absent or disrupted protein product. Loss-of-function variants in NBN are known to be pathogenic (PMID: 9590180, 16415040).

Genome-Nilou Lab
Classification: Pathogenic for Microcephaly, normal intelligence and immunodeficiency. Last evaluated: 2021-11-07. Review status: criteria provided, single submitter. Criteria: ACMG Guidelines, 2015. Collection method: clinical testing. Allele origin: germline. Affected: no.

Literature cited by the submitters: PubMed 9590180 (cited by Labcorp Genetics (formerly Invitae), Labcorp); PubMed 16415040 (cited by Labcorp Genetics (formerly Invitae), Labcorp).